The following is an entry in ClinVar:

NM_000124.4(ERCC6):c.1397+4G>A

Genes: ERCC6 (ERCC excision repair 6, chromatin remodeling factor; minus strand), PGBD3 (piggyBac transposable element derived 3; minus strand). Cytogenetic location: 10q11.23.
Variant type: single nucleotide variant.
Coding change: c.1397+4G>A on transcript NM_000124.4 (MANE Select); 4 bases into the intron after coding-DNA position 1397, G replaced by A.
Molecular consequence: intron variant.
Genome position (GRCh38, 1-based): chr10:49,524,029, C>T on the plus strand (G>A on the coding strand, the complement: ERCC6 is on the minus strand). VCF-style: chr10-49524029-C-T. GRCh37 (hg19) VCF-style: chr10-50732075-C-T.
Other names: c.1397+4G>A (NM_001346440.2, NM_001277059.2, NM_001277058.2); c.-8+4G>A (NM_170753.3).
Identifiers: ClinVar variation 1381701 (VCV001381701.3), dbSNP rs781424901, ClinGen allele CA5496332.

ClinVar aggregate classification (germline): Uncertain significance (1 of 4 stars; one submission).

Allele frequency attached by ClinVar (database versions not stated): ExAC 0.00001; gnomAD exomes 0.00001.
gnomAD v4.1: 16 of 1,612,740 alleles (0.00099%); highest among the groups gnomAD compares: Middle Eastern, 0.082%; no homozygotes.

Submission:

Labcorp Genetics (formerly Invitae), Labcorp
Classification: Uncertain significance. Last evaluated: 2022-08-16. Review status: criteria provided, single submitter. Criteria: Invitae Variant Classification Sherloc (09022015). Collection method: clinical testing. Allele origin: germline.
Comment: This sequence change falls in intron 5 of the ERCC6 gene. It does not directly change the encoded amino acid sequence of the ERCC6 protein. It affects a nucleotide within the consensus splice site. This variant is present in population databases (rs781424901, gnomAD 0.003%). This variant has not been reported in the literature in individuals affected with ERCC6-related conditions. ClinVar contains an entry for this variant (Variation ID: 1381701). Variants that disrupt the consensus splice site are a relatively common cause of aberrant splicing (PMID: 17576681, 9536098). Algorithms developed to predict the effect of sequence changes on RNA splicing suggest that this variant is not likely to affect RNA splicing. In summary, the available evidence is currently insufficient to determine the role of this variant in disease. Therefore, it has been classified as a Variant of Uncertain Significance.

Literature cited by the submitters: PubMed 17576681; PubMed 9536098.